The following is an entry in ClinVar:

NM_016341.4(PLCE1):c.1260C>T (p.Leu420=)

Gene: PLCE1 (phospholipase C epsilon 1; plus strand). Cytogenetic location: 10q23.33.
Variant type: single nucleotide variant.
Coding change: c.1260C>T on transcript NM_016341.4 (MANE Select); coding-DNA position 1260, C replaced by T.
Protein change: p.Leu420=; no amino-acid change (leucine 420 retained).
Molecular consequence: synonymous variant.
Genome position (GRCh38, 1-based): chr10:94,132,227, C>T. VCF-style: chr10-94132227-C-T. GRCh37 (hg19) VCF-style: chr10-95891984-C-T.
Other names: c.336C>T, p.Leu112= (NM_001165979.2); c.1260C>T, p.Leu420= (NM_001288989.2).
Identifiers: ClinVar variation 3030786 (VCV003030786.2), dbSNP rs1456724573, ClinGen allele CA470991729.

ClinVar aggregate classification (germline): Likely benign (0 of 4 stars; one submission).

Conditions:
PLCE1-related disorder. Also called: PLCE1-related condition.

Allele frequency attached by ClinVar (database versions not stated): gnomAD 0.00005; TOPMed 0.00007.
gnomAD v4.1: 15 of 1,613,962 alleles (0.00093%); highest among the groups gnomAD compares: Admixed American, 0.025%; no homozygotes.

Submission:

PreventionGenetics, part of Exact Sciences
Classification: Likely benign for PLCE1-related condition. Last evaluated: 2022-05-05. Review status: no assertion criteria provided. Collection method: clinical testing. Allele origin: germline.
Comment: This variant is classified as likely benign based on ACMG/AMP sequence variant interpretation guidelines (Richards et al. 2015 PMID: 25741868, with internal and published modifications).